The following continues an entry in ClinVar:

NM_000059.4(BRCA2):c.2538A>C (p.Ser846=)

Gene: BRCA2. ClinVar aggregate classification (germline): Benign. Benign (1).

Submissions 19 to 28 of 28:

Genome Diagnostics Laboratory, University Medical Center Utrecht
Classification: Benign for Breast-ovarian cancer, familial, susceptibility to, 2. Last evaluated: 2014-10-10. Review status: criteria provided, single submitter. Criteria: ACGS Guidelines, 2013. Collection method: clinical testing. Allele origin: germline. Affected: yes. Study: VKGL Data-share Consensus. Not counted in ClinVar's aggregate classification.

Ambry Genetics
Classification: Likely benign for Hereditary cancer-predisposing syndrome. Last evaluated: 2014-08-11. Review status: criteria provided, single submitter. Criteria: Ambry Variant Classification Scheme 2023. Collection method: clinical testing. Allele origin: germline. Not counted in ClinVar's aggregate classification.

GeneDx
Classification: Benign. Last evaluated: 2014-02-12. Review status: criteria provided, single submitter. Criteria: GeneDx Variant Classification (06012015). Collection method: clinical testing. Allele origin: germline. Affected: yes. Not counted in ClinVar's aggregate classification.
Comment: This variant is considered likely benign or benign based on one or more of the following criteria: it is a conservative change, it occurs at a poorly conserved position in the protein, it is predicted to be benign by multiple in silico algorithms, and/or has population frequency not consistent with disease.

True Health Diagnostics
Classification: Likely benign for Hereditary cancer-predisposing syndrome. Last evaluated: 2018-05-09. Review status: no assertion criteria provided. Collection method: clinical testing. Allele origin: germline. Not counted in ClinVar's aggregate classification.

Mayo Clinic Laboratories, Mayo Clinic
Classification: Likely benign. Last evaluated: 2017-04-07. Review status: no assertion criteria provided. Collection method: clinical testing. Allele origin: unknown. Not counted in ClinVar's aggregate classification.

Counsyl
Classification: Likely benign for Breast-ovarian cancer, familial 2. Last evaluated: 2014-09-19. Review status: no assertion criteria provided. Collection method: literature only. Allele origin: unknown. Inheritance: Autosomal dominant inheritance. Not counted in ClinVar's aggregate classification.

Breast Cancer Information Core (BIC) (BRCA2)
Classification: Benign for Breast-ovarian cancer, familial 2. Last evaluated: 2010-10-28. Review status: no assertion criteria provided. Collection method: clinical testing. Allele origin: germline. Affected: yes. Observed: 1 variant allele. Not counted in ClinVar's aggregate classification.

Clinical Genetics Laboratory, Department of Pathology, Netherlands Cancer Institute
Classification: Likely benign. Review status: no assertion criteria provided. Collection method: clinical testing. Allele origin: germline. Affected: yes. Study: VKGL Data-share Consensus. Not counted in ClinVar's aggregate classification.

Department of Pathology and Laboratory Medicine, Sinai Health System
Classification: Benign for Malignant tumor of breast. Review status: no assertion criteria provided. Collection method: clinical testing. Allele origin: unknown. Affected: yes. Observed: 4 variant alleles. Study: The Canadian Open Genetics Repository (COGR). Not counted in ClinVar's aggregate classification.
Comment: The p.Ser846Ser variant is not expected to have clinical significance because it does not result in a change of amino acid and is not located in a known consensus splice site. Two of five in silico or computational prediction software programs (SpliceSiteFinder, MaxEntScan, NNSPLICE, GeneSplicer, HumanSpliceFinder) predict a greater than 10% difference in splicing; however, this is not very predictive of pathogenicity. The variant was identified in 5 of 5234 proband chromosomes (frequency: 0.001) from individuals or families with breast or ovarian cancer (Alsop 2012, Caux-Moncoutier 2011, Soumittra 2009); however, control chromosomes were not evaluated in these studies, thus the prevalence of this variant in the general population could not be determined. The variant was also identified in dbSNP (ID: rs11571654) â€šÃ„ÃºWith Benign, untested alleleâ€šÃ„Ã¹, BIC (1X with no clinical importance), the ClinVar database (classified as benign by BIC and GeneDx; classification not provided by Invitae), and UMD (11X as an unclassified variant). The variant was identified in the 1000 Genomes Project in 5 chromosomes (frequency: 0.001), HAPMAP-GIH in 2 of 176 chromosomes (frequency: 0.011), Exome Variant Server ESP project in 2 of 8598 European American alleles. The variant was identified in several populations in the Exome Aggregation Consortium (ExAC) database (released Oct 20th, 2014), with the following allele counts and frequencies: South Asian (82/16468 alleles, frequency: 0.005), Latino (7/11470 alleles, frequency: 0.0006), European (Non-Finnish) (8/66348 alleles, frequency; 0.0001, and â€šÃ„ÃºOtherâ€šÃ„Ã¹ (1/904 alleles, frequency: 0.001). Notably two of the individuals tested in the ExAC database were homozygous for the variant (one South Asian and one Latino), increasing the likelihood that this variant may not have clinical significance. In addition, Myriad classifies this as a polymorphism (personal communication). In summary, based on the above information, this variant is classified as benign.

Joint Genome Diagnostic Labs from Nijmegen and Maastricht, Radboudumc and MUMC+
Classification: Likely benign. Review status: no assertion criteria provided. Collection method: clinical testing. Allele origin: germline. Affected: yes. Study: VKGL Data-share Consensus. Not counted in ClinVar's aggregate classification.

Literature cited by the submitters: DOI 10.3389/fgene.2022.834265 (cited by National Health Laboratory Service, Universitas Academic Hospital and University of the Free State); PubMed 19656415 (cited by 3 submitters); PubMed 21120943 (cited by Women's Health and Genetics/Laboratory Corporation of America, LabCorp); PubMed 22977638 (cited by Women's Health and Genetics/Laboratory Corporation of America, LabCorp); PubMed 24337145 (cited by Women's Health and Genetics/Laboratory Corporation of America, LabCorp); PubMed 22711857 (cited by Counsyl).